The following is an entry in ClinVar:

NM_000051.4(ATM):c.6112C>T (p.His2038Tyr)

Genes: ATM (ATM serine/threonine kinase; plus strand), C11orf65 (chromosome 11 open reading frame 65; minus strand). Cytogenetic location: 11q22.3.
Variant type: single nucleotide variant.
Coding change: c.6112C>T on transcript NM_000051.4 (MANE Select); coding-DNA position 6112, C replaced by T.
Protein change: p.His2038Tyr; replaces histidine 2038 with tyrosine.
Molecular consequence: missense variant. On other transcripts: intron variant (2).
Genome position (GRCh38, 1-based): chr11:108,316,027, C>T. VCF-style: chr11-108316027-C-T. GRCh37 (hg19) VCF-style: chr11-108186754-C-T.
Other names: c.6112C>T, p.His2038Tyr (NM_001351834.2); c.641-6956G>A (NM_001330368.2); c.*39-6956G>A (NM_001351110.2); short protein forms H2038Y.
Identifiers: ClinVar variation 957880 (VCV000957880.46), dbSNP rs1060501643, ClinGen allele CA382550371.

ClinVar aggregate classification (germline): Uncertain significance. Review status: criteria provided, multiple submitters, no conflicts (2 of 4 stars). 3 submissions from 3 submitters: Uncertain significance (3). Last evaluated 2025-07-10.

Conditions:
Hereditary cancer-predisposing syndrome. Also called: Tumor predisposition; Neoplastic Syndromes, Hereditary; Hereditary neoplastic syndrome; Hereditary Cancer Syndrome. Identifiers: Orphanet 140162, MedGen C0027672, MeSH D009386, MONDO:0015356.
Ataxia-telangiectasia syndrome (AT). Also called: Ataxia-telangiectasia, complementation group D; AT, COMPLEMENTATION GROUP C; ATAXIA-TELANGIECTASIA, COMPLEMENTATION GROUP A; ATAXIA-TELANGIECTASIA, FRESNO VARIANT; Ataxia-telangiectasia; Ataxia telangiectasia (A-T). Identifiers: Orphanet 100, MedGen C0004135, MONDO:0008840, OMIM 208900.

Submissions (3):

Labcorp Genetics (formerly Invitae), Labcorp
Classification: Uncertain significance for Ataxia-telangiectasia syndrome. Last evaluated: 2025-07-10. Review status: criteria provided, single submitter. Criteria: Invitae Variant Classification Sherloc (09022015). Collection method: clinical testing. Allele origin: germline.
Comment: This sequence change replaces histidine, which is basic and polar, with tyrosine, which is neutral and polar, at codon 2038 of the ATM protein (p.His2038Tyr). This variant is not present in population databases (gnomAD no frequency). This variant has not been reported in the literature in individuals affected with ATM-related conditions. ClinVar contains an entry for this variant (Variation ID: 957880). Invitae Evidence Modeling of protein sequence and biophysical properties (such as structural, functional, and spatial information, amino acid conservation, physicochemical variation, residue mobility, and thermodynamic stability) has been performed for this missense variant. However, the output from this modeling did not meet the statistical confidence thresholds required to predict the impact of this variant on ATM protein function. In summary, the available evidence is currently insufficient to determine the role of this variant in disease. Therefore, it has been classified as a Variant of Uncertain Significance.

Ambry Genetics
Classification: Uncertain significance for Hereditary cancer-predisposing syndrome. Last evaluated: 2024-06-13. Review status: criteria provided, single submitter. Criteria: Ambry Variant Classification Scheme 2023. Collection method: clinical testing. Allele origin: germline.
Comment: The p.H2038Y variant (also known as c.6112C>T), located in coding exon 41 of the ATM gene, results from a C to T substitution at nucleotide position 6112. The histidine at codon 2038 is replaced by tyrosine, an amino acid with similar properties. This variant was identified in 1 of 13087 breast cancer cases and 0 of 5488 control individuals in the UK (Decker B et al. J Med Genet, 2017 Nov;54:732-741). This amino acid position is highly conserved in available vertebrate species. In addition, the in silico prediction for this alteration is inconclusive. Based on the available evidence, the clinical significance of this variant remains unclear.

CeGaT Center for Human Genetics Tuebingen
Classification: Uncertain significance. Last evaluated: 2020-10-01. Review status: criteria provided, single submitter. Criteria: CeGaT Center For Human Genetics Tuebingen Variant Classification Criteria Version 2. Collection method: clinical testing. Allele origin: germline. Affected: yes. Observed: 1 variant allele.

Literature cited by the submitters: PubMed 28779002 (cited by Ambry Genetics).